The following is an entry in ClinVar:

ClinVar aggregate classification (germline): Likely pathogenic (1 of 4 stars; one submission).

Conditions:
Corneal dystrophy, Fuchs endothelial, 6 (FECD6). Identifiers: Orphanet 98974, MedGen C2750448, MONDO:0013206, OMIM 613270.

Submission:

MVZ Medizinische Genetik Mainz
Classification: Likely pathogenic for Corneal dystrophy, Fuchs endothelial, 6. Last evaluated: 2025-10-28. Review status: criteria provided, single submitter. Criteria: UK Practice Guidelines For Variant Classification V4 01 2020. Collection method: clinical testing. Allele origin: germline. Inheritance: Autosomal dominant inheritance. Affected: yes. Observed: 1 variant allele.
Comment: ACMG Criteria: PVS1,PM2_SUP

NM_001174096.2(ZEB1):c.361C>T (p.Gln121Ter)

Gene: ZEB1 (zinc finger E-box binding homeobox 1; plus strand). Cytogenetic location: 10p11.22.
Variant type: single nucleotide variant.
Coding change: c.361C>T on transcript NM_001174096.2 (MANE Select); coding-DNA position 361, C replaced by T.
Protein change: p.Gln121Ter; replaces glutamine 121 with a stop codon.
Molecular consequence: nonsense. On other transcripts: 5 prime UTR variant (30), intron variant (3).
Genome position (GRCh38, 1-based): chr10:31,502,386, C>T. VCF-style: chr10-31502386-C-T. GRCh37 (hg19) VCF-style: chr10-31791314-C-T.
Other names: c.310C>T, p.Gln104Ter (NM_001128128.3); c.298C>T, p.Gln100Ter (NM_001174093.2); c.307C>T, p.Gln103Ter (NM_001174094.2); c.157C>T, p.Gln53Ter (NM_001174095.2); c.-297C>T (NM_001323638.2, NM_001323641.2, NM_001323642.2 and 27 more transcripts); c.319C>T, p.Gln107Ter (NM_001323676.2); c.316C>T, p.Gln106Ter (NM_001323677.2); c.358C>T, p.Gln120Ter (NM_030751.6); and 3 more; short protein forms Q100*, Q103*, Q104*, Q106*, Q107*, Q120*, Q121*, Q53*.
Identifiers: ClinVar variation 4532235 (VCV004532235.1).